The following is an entry in ClinVar:

ClinVar aggregate classification (germline): Uncertain significance (1 of 4 stars; one submission).

Conditions:
Hereditary pancreatitis (PCTT). Also called: PRSS1-Related Hereditary Pancreatitis; Hereditary chronic pancreatitis. Identifiers: Orphanet 676, MedGen C0238339, MONDO:0008185, OMIM 167800.

Allele frequency attached by ClinVar (database versions not stated): ExAC 0.00001; gnomAD exomes 0.00003; ESP Exome Variant Server 0.00008.

Submission:

Ambry Genetics
Classification: Uncertain significance for Hereditary pancreatitis. Last evaluated: 2025-09-12. Review status: criteria provided, single submitter. Criteria: Ambry Variant Classification Scheme 2023. Collection method: clinical testing. Allele origin: germline.
Comment: The p.F101S variant (also known as c.302T>C), located in coding exon 4 of the CTRC gene, results from a T to C substitution at nucleotide position 302. The phenylalanine at codon 101 is replaced by serine, an amino acid with highly dissimilar properties. This amino acid position is conserved. In addition, this alteration is predicted to be tolerated by in silico analysis. Since supporting evidence is limited at this time, the clinical significance of this alteration remains unclear.

NM_007272.3(CTRC):c.302T>C (p.Phe101Ser)

Gene: CTRC (chymotrypsin C; plus strand). Cytogenetic location: 1p36.21.
Variant type: single nucleotide variant.
Coding change: c.302T>C on transcript NM_007272.3 (MANE Select); coding-DNA position 302, T replaced by C.
Protein change: p.Phe101Ser; replaces phenylalanine 101 with serine.
Molecular consequence: missense variant.
Genome position (GRCh38, 1-based): chr1:15,442,518, T>C. VCF-style: chr1-15442518-T-C. GRCh37 (hg19) VCF-style: chr1-15769014-T-C.
Other names: short protein forms F101S.
Identifiers: ClinVar variation 2586431 (VCV002586431.3), dbSNP rs148595354, ClinGen allele CA613310.
Genomic context (GRCh38, chr1:15,442,518, plus strand): 5'-CCTACCGTGTGGCCGTGGGAAAGAACAACCTGGAGGTGGAAGACGAAGAAGGATCCCTGT[T>C]TGTGGGTGTGGACACCATCCACGTCCACAAGAGATGGAATGCCCTCCTGTTGCGGTGAGT-3'
Protein context (NP_009203.2, residues 91-111): LEVEDEEGSL[Phe101Ser]VGVDTIHVHK